The following is an entry in ClinVar:

NM_020822.3(KCNT1):c.1093C>A (p.Arg365Ser)

Gene: KCNT1 (potassium sodium-activated channel subfamily T member 1; plus strand). Cytogenetic location: 9q34.3.
Variant type: single nucleotide variant.
Coding change: c.1093C>A on transcript NM_020822.3 (MANE Select); coding-DNA position 1093, C replaced by A.
Protein change: p.Arg365Ser; replaces arginine 365 with serine.
Molecular consequence: missense variant.
Genome position (GRCh38, 1-based): chr9:135,765,088, C>A. VCF-style: chr9-135765088-C-A. GRCh37 (hg19) VCF-style: chr9-138656934-C-A.
Other names: c.958C>A, p.Arg320Ser (NM_001272003.2); short protein forms R320S, R365S.
Identifiers: ClinVar variation 1718309 (VCV001718309.6), dbSNP rs751116785, ClinGen allele CA375500028.

ClinVar aggregate classification (germline): Uncertain significance (1 of 4 stars; one submission).

Conditions:
Developmental and epileptic encephalopathy, 14 (DEE14). Also called: Early infantile epileptic encephalopathy 14. Identifiers: Orphanet 293181, MedGen C3554195, MONDO:0013989, OMIM 614959.
Autosomal dominant nocturnal frontal lobe epilepsy 5. Also called: KCNT1-Related Epilepsy; Epilepsy, nocturnal frontal lobe, 5; CILIARY DYSKINESIA, PRIMARY, 28, WITHOUT SITUS INVERSUS; CILIARY DYSKINESIA, PRIMARY, 28, WITH SITUS INVERSUS. Identifiers: Orphanet 98784, MedGen C3554306, MONDO:0014002, OMIM 615005.

Submission:

Labcorp Genetics (formerly Invitae), Labcorp
Classification: Uncertain significance for Autosomal dominant nocturnal frontal lobe epilepsy 5; Developmental and epileptic encephalopathy, 14. Last evaluated: 2022-08-29. Review status: criteria provided, single submitter. Criteria: Invitae Variant Classification Sherloc (09022015). Collection method: clinical testing. Allele origin: germline.
Comment: This variant is not present in population databases (gnomAD no frequency). This sequence change replaces arginine, which is basic and polar, with serine, which is neutral and polar, at codon 365 of the KCNT1 protein (p.Arg365Ser). This variant has not been reported in the literature in individuals affected with KCNT1-related conditions. Algorithms developed to predict the effect of missense changes on protein structure and function (SIFT, PolyPhen-2, Align-GVGD) all suggest that this variant is likely to be tolerated. In summary, the available evidence is currently insufficient to determine the role of this variant in disease. Therefore, it has been classified as a Variant of Uncertain Significance.